The following is an entry in ClinVar:

NM_007255.3(B4GALT7):c.-17C>A

Genes: B4GALT7 (beta-1,4-galactosyltransferase 7; plus strand), LOC129995400 (ATAC-STARR-seq lymphoblastoid silent region 16704; plus strand). Cytogenetic location: 5q35.3.
Variant type: single nucleotide variant.
Coding change: c.-17C>A on transcript NM_007255.3 (MANE Select); 17 bases upstream of the start codon, C replaced by A.
Molecular consequence: 5 prime UTR variant.
Genome position (GRCh38, 1-based): chr5:177,600,194, C>A. VCF-style: chr5-177600194-C-A. GRCh37 (hg19) VCF-style: chr5-177027195-C-A.
Identifiers: ClinVar variation 512363 (VCV000512363.1), dbSNP rs547981999, ClinGen allele CA3586340.

ClinVar aggregate classification (germline): Likely benign (1 of 4 stars; one submission).

Allele frequency attached by ClinVar (database versions not stated): gnomAD below 0.00001 and 0.00006; TOPMed 0.00001; gnomAD exomes 0.00011 and 0.00038; 1000 Genomes Project 0.00100; 1000 Genomes Project 30x 0.00125; ExAC 0.00408.

Submission:

GeneDx
Classification: Likely benign. Last evaluated: 2017-09-28. Review status: criteria provided, single submitter. Criteria: GeneDx Variant Classification (06012015). Collection method: clinical testing. Allele origin: germline. Affected: yes.
Comment: This variant is considered likely benign or benign based on one or more of the following criteria: it is a conservative change, it occurs at a poorly conserved position in the protein, it is predicted to be benign by multiple in silico algorithms, and/or has population frequency not consistent with disease.